The following is an entry in ClinVar:

ClinVar aggregate classification (germline): Likely pathogenic (1 of 4 stars; one submission).

Conditions:
Tumor predisposition syndrome 3 (TPDS3). Also called: Glioma susceptibility 9; LONG TELOMERE SYNDROME, POT1-RELATED; POT1 Tumor Predisposition; Melanoma, cutaneous malignant, susceptibility to, 10. Identifiers: Orphanet 618, MedGen C4014476, MONDO:0014368, OMIM 615848.

Allele frequency attached by ClinVar (database versions not stated): gnomAD exomes below 0.00001.
gnomAD v4.1: 2 of 1,608,872 alleles (0.00012%); highest among the groups gnomAD compares: Non-Finnish European, 0.000085%; no homozygotes.

Submission:

Labcorp Genetics (formerly Invitae), Labcorp
Classification: Likely pathogenic for Tumor predisposition syndrome 3. Last evaluated: 2024-04-13. Review status: criteria provided, single submitter. Criteria: Invitae Variant Classification Sherloc (09022015). Collection method: clinical testing. Allele origin: germline.
Comment: This sequence change affects a donor splice site in intron 8 of the POT1 gene. It is expected to disrupt RNA splicing. Variants that disrupt the donor or acceptor splice site typically lead to a loss of protein function (PMID: 16199547), and loss-of-function variants in POT1 are known to be pathogenic (PMID: 32155570). This variant is not present in population databases (gnomAD no frequency). This variant has not been reported in the literature in individuals affected with POT1-related conditions. ClinVar contains an entry for this variant (Variation ID: 941616). Algorithms developed to predict the effect of sequence changes on RNA splicing suggest that this variant may disrupt the consensus splice site. In summary, the currently available evidence indicates that the variant is pathogenic, but additional data are needed to prove that conclusively. Therefore, this variant has been classified as Likely Pathogenic.

Literature cited by the submitters: PubMed 16199547; PubMed 32155570.

NM_015450.3(POT1):c.546+1G>A

Gene: POT1 (protection of telomeres 1; minus strand). Cytogenetic location: 7q31.33.
Variant type: single nucleotide variant.
Coding change: c.546+1G>A on transcript NM_015450.3 (MANE Select); the canonical splice donor site of the intron after coding-DNA position 546, G replaced by A.
Molecular consequence: splice donor variant.
Genome position (GRCh38, 1-based): chr7:124,863,349, C>T on the plus strand (G>A on the coding strand, the complement: POT1 is on the minus strand). VCF-style: chr7-124863349-C-T. GRCh37 (hg19) VCF-style: chr7-124503403-C-T.
Other names: c.153+1G>A (NM_001042594.2).
Identifiers: ClinVar variation 941616 (VCV000941616.8), dbSNP rs1795645080, ClinGen allele CA369058543.